The following is an entry in ClinVar:

NM_000020.3(ACVRL1):c.1329T>A (p.Cys443Ter)

Gene: ACVRL1 (activin A receptor like type 1; plus strand). Cytogenetic location: 12q13.13.
Variant type: single nucleotide variant.
Coding change: c.1329T>A on transcript NM_000020.3 (MANE Select); coding-DNA position 1329, T replaced by A.
Protein change: p.Cys443Ter; replaces cysteine 443 with a stop codon.
Molecular consequence: nonsense.
Genome position (GRCh38, 1-based): chr12:51,919,067, T>A. VCF-style: chr12-51919067-T-A. GRCh37 (hg19) VCF-style: chr12-52312851-T-A.
Other names: c.1329T>A, p.Cys443Ter (NM_001077401.2, NM_001406487.1, NM_001406488.1 and 1 more transcripts); c.1173T>A, p.Cys391Ter (NM_001406490.1); c.1017T>A, p.Cys339Ter (NM_001406491.1, NM_001406492.1, NM_001406493.1); c.819T>A, p.Cys273Ter (NM_001406494.1); c.765T>A, p.Cys255Ter (NM_001406495.1); short protein forms C391*, C255*, C339*, C443*, C273*.
Identifiers: ClinVar variation 1770089 (VCV001770089.2), dbSNP rs2540170766, ClinGen allele CA384904158.

ClinVar aggregate classification (germline): Pathogenic (1 of 4 stars; one submission).

Conditions:
Cardiovascular phenotype. Identifiers: MedGen CN230736.

Submission:

Ambry Genetics
Classification: Pathogenic for Cardiovascular phenotype. Last evaluated: 2015-09-04. Review status: criteria provided, single submitter. Criteria: Ambry Variant Classification Scheme 2023. Collection method: clinical testing. Allele origin: germline.
Comment: The p.C443* pathogenic mutation (also known as c.1329T>A), located in coding exon 8 of the ACVRL1 gene, results from a T to A substitution at nucleotide position 1329. This changes the amino acid from a cysteine to a stop codon within coding exon 8. Since premature stop codons are typically deleterious in nature, this alteration is interpreted as a disease-causing mutation (ACMG Recommendations for Standards for Interpretation and Reporting of Sequence Variations. Revision 2007. Genet Med. 2008;10:294).